The following is an entry in ClinVar:

NM_002755.4(MAP2K1):c.568+14005G>A

Gene: MAP2K1 (mitogen-activated protein kinase kinase 1; plus strand). Cytogenetic location: 15q22.31.
Variant type: single nucleotide variant.
Coding change: c.568+14005G>A on transcript NM_002755.4 (MANE Select); 14005 bases into the intron after coding-DNA position 568, G replaced by A.
Molecular consequence: intron variant.
Genome position (GRCh38, 1-based): chr15:66,458,712, G>A. VCF-style: chr15-66458712-G-A. GRCh37 (hg19) VCF-style: chr15-66751050-G-A.
Other names: c.424+14005G>A (NM_001411065.1).
Identifiers: ClinVar variation 3026635 (VCV003026635.22), dbSNP rs540979675, ClinGen allele CA271657524.
Genomic context (GRCh38, chr15:66,458,712, plus strand): 5'-GACTACAAATATGTGCTATCATGCCTGACTAATTTTAAAAATTTTCTTTTCTAGAGATGC[G>A]GTCTCTCTCTGTTGCCCAGGTTGGTCTTGAACTCCTGGACTCAAGTAATCCACTTGTCTG-3'

ClinVar aggregate classification (germline): Likely benign (1 of 4 stars; one submission).

Allele frequency attached by ClinVar (database versions not stated): TOPMed 0.00005; 1000 Genomes Project 0.00020; 1000 Genomes Project 30x 0.00047.
gnomAD v4.1: 9 of 152,142 alleles (0.0059%); highest among the groups gnomAD compares: East Asian, 0.12%; no homozygotes.

Submission:

CeGaT Center for Human Genetics Tuebingen
Classification: Likely benign. Last evaluated: 2023-12-01. Review status: criteria provided, single submitter. Criteria: CeGaT Center For Human Genetics Tuebingen Variant Classification Criteria Version 2. Collection method: clinical testing. Allele origin: germline. Affected: yes. Observed: 1 variant allele.
Comment: MAP2K1: PP2, BS1